The following is an entry in ClinVar:

ClinVar aggregate classification (germline): Uncertain significance (1 of 4 stars; one submission).

Conditions:
Autosomal dominant nocturnal frontal lobe epilepsy 5. Also called: CILIARY DYSKINESIA, PRIMARY, 28, WITHOUT SITUS INVERSUS; CILIARY DYSKINESIA, PRIMARY, 28, WITH SITUS INVERSUS; KCNT1-Related Epilepsy; Epilepsy, nocturnal frontal lobe, 5. Identifiers: Orphanet 98784, MedGen C3554306, MONDO:0014002, OMIM 615005.
Developmental and epileptic encephalopathy, 14 (DEE14). Also called: Early infantile epileptic encephalopathy 14. Identifiers: Orphanet 293181, MedGen C3554195, MONDO:0013989, OMIM 614959.

Submission:

Labcorp Genetics (formerly Invitae), Labcorp
Classification: Uncertain significance for Autosomal dominant nocturnal frontal lobe epilepsy 5; Developmental and epileptic encephalopathy, 14. Last evaluated: 2025-07-30. Review status: criteria provided, single submitter. Criteria: Invitae Variant Classification Sherloc (09022015). Collection method: clinical testing. Allele origin: germline.
Comment: This sequence change replaces alanine, which is neutral and non-polar, with serine, which is neutral and polar, at codon 41 of the KCNT1 protein (p.Ala41Ser). This variant is not present in population databases (gnomAD no frequency). This variant has not been reported in the literature in individuals affected with KCNT1-related conditions. Invitae Evidence Modeling of protein sequence and biophysical properties (such as structural, functional, and spatial information, amino acid conservation, physicochemical variation, residue mobility, and thermodynamic stability) indicates that this missense variant is not expected to disrupt KCNT1 protein function with a negative predictive value of 95%. In summary, the available evidence is currently insufficient to determine the role of this variant in disease. Therefore, it has been classified as a Variant of Uncertain Significance.

NM_020822.3(KCNT1):c.121G>T (p.Ala41Ser)

Gene: KCNT1 (potassium sodium-activated channel subfamily T member 1; plus strand). Cytogenetic location: 9q34.3.
Variant type: single nucleotide variant.
Coding change: c.121G>T on transcript NM_020822.3 (MANE Select); coding-DNA position 121, G replaced by T.
Protein change: p.Ala41Ser; replaces alanine 41 with serine.
Molecular consequence: missense variant. On other transcripts: intron variant (1).
Genome position (GRCh38, 1-based): chr9:135,714,587, G>T. VCF-style: chr9-135714587-G-T. GRCh37 (hg19) VCF-style: chr9-138606433-G-T.
Other names: c.110+12219G>T (NM_001272003.2); short protein forms A41S.
Identifiers: ClinVar variation 4789541 (VCV004789541.1).